The following is an entry in ClinVar:

ClinVar aggregate classification (germline): Uncertain significance. Review status: criteria provided, multiple submitters, no conflicts (2 of 4 stars). 2 submissions from 2 submitters: Uncertain significance (2). Last evaluated 2025-01-26.

Conditions:
Cardiovascular phenotype. Identifiers: MedGen CN230736.

Allele frequency attached by ClinVar (database versions not stated): ExAC 0.00001; TOPMed below 0.00001; gnomAD exomes below 0.00001.

Submissions (2):

Ambry Genetics
Classification: Uncertain significance for Cardiovascular phenotype. Last evaluated: 2025-01-26. Review status: criteria provided, single submitter. Criteria: Ambry Variant Classification Scheme 2023. Collection method: clinical testing. Allele origin: germline.

GeneDx
Classification: Uncertain significance. Last evaluated: 2017-02-13. Review status: criteria provided, single submitter. Criteria: GeneDx Variant Classification (06012015). Collection method: clinical testing. Allele origin: germline. Affected: yes.
Comment: The A743G variant in the SOS2 gene has not been reported previously as a pathogenic variant, nor as a benign variant, to our knowledge. The A743G variant is not observed at a significant frequency in large population cohorts (Lek et al., 2016; 1000 Genomes Consortium et al., 2015; Exome Variant Server). The A743G variant is a conservative amino acid substitution, which is not likely to impact secondary protein structure as these residues share similar properties. While this substitution occurs at a position that is conserved in mammals, in silico analysis is inconsistent in its predictions as to whether or not the variant is damaging to the protein structure/function. We interpret A743G as a variant of uncertain significance.

NM_006939.4(SOS2):c.2228C>G (p.Ala743Gly)

Gene: SOS2 (SOS Ras/Rho guanine nucleotide exchange factor 2; minus strand). Cytogenetic location: 14q21.3.
Variant type: single nucleotide variant.
Coding change: c.2228C>G on transcript NM_006939.4 (MANE Select); coding-DNA position 2228, C replaced by G.
Protein change: p.Ala743Gly; replaces alanine 743 with glycine.
Molecular consequence: missense variant.
Genome position (GRCh38, 1-based): chr14:50,150,164, G>C on the plus strand (C>G on the coding strand, the complement: SOS2 is on the minus strand). VCF-style: chr14-50150164-G-C. GRCh37 (hg19) VCF-style: chr14-50616882-G-C.
Other names: short protein forms A743G.
Identifiers: ClinVar variation 423271 (VCV000423271.3), dbSNP rs752871832, ClinGen allele CA7177087.